The following is an entry in ClinVar:

NM_001376.5(DYNC1H1):c.3521A>G (p.Gln1174Arg)

Gene: DYNC1H1 (dynein cytoplasmic 1 heavy chain 1; plus strand). Cytogenetic location: 14q32.31.
Variant type: single nucleotide variant.
Coding change: c.3521A>G on transcript NM_001376.5 (MANE Select); coding-DNA position 3521, A replaced by G.
Protein change: p.Gln1174Arg; replaces glutamine 1174 with arginine.
Molecular consequence: missense variant.
Genome position (GRCh38, 1-based): chr14:101,995,257, A>G. VCF-style: chr14-101995257-A-G. GRCh37 (hg19) VCF-style: chr14-102461594-A-G.
Other names: short protein forms Q1174R.
Identifiers: ClinVar variation 2052228 (VCV002052228.5), dbSNP rs2503715913, ClinGen allele CA391035372.

ClinVar aggregate classification (germline): Uncertain significance. Review status: criteria provided, multiple submitters, no conflicts (2 of 4 stars). 2 submissions from 2 submitters: Uncertain significance (2). Last evaluated 2024-03-11.

Conditions:
Charcot-Marie-Tooth disease axonal type 2O. Also called: CHARCOT-MARIE-TOOTH NEUROPATHY, AXONAL, TYPE 2O; CHARCOT-MARIE-TOOTH DISEASE, AXONAL, AUTOSOMAL DOMINANT, TYPE 2O; Charcot-Marie-Tooth Neuropathy Type 2O; Charcot-Marie-Tooth disease, axonal, type 20. Identifiers: Orphanet 284232, MedGen C3280220, MONDO:0013644, OMIM 614228.

Allele frequency attached by ClinVar (database versions not stated): gnomAD exomes below 0.00001.
gnomAD v4.1: 1 of 1,614,238 alleles (0.000062%); highest among the groups gnomAD compares: Non-Finnish European, 0.000085%; no homozygotes.

Submissions (2):

GeneDx
Classification: Uncertain significance. Last evaluated: 2024-03-11. Review status: criteria provided, single submitter. Criteria: GeneDx Variant Classification Process June 2021. Collection method: clinical testing. Allele origin: germline. Affected: yes.
Comment: Not observed at significant frequency in large population cohorts (gnomAD); In silico analysis supports that this missense variant has a deleterious effect on protein structure/function; Has not been previously published as pathogenic or benign to our knowledge; This variant is associated with the following publications: (PMID: 25512093, 25609763, 26100331)

Labcorp Genetics (formerly Invitae), Labcorp
Classification: Uncertain significance for Charcot-Marie-Tooth disease axonal type 2O. Last evaluated: 2022-07-25. Review status: criteria provided, single submitter. Criteria: Invitae Variant Classification Sherloc (09022015). Collection method: clinical testing. Allele origin: germline.
Comment: This sequence change replaces glutamine, which is neutral and polar, with arginine, which is basic and polar, at codon 1174 of the DYNC1H1 protein (p.Gln1174Arg). This variant is not present in population databases (gnomAD no frequency). This variant has not been reported in the literature in individuals affected with DYNC1H1-related conditions. Algorithms developed to predict the effect of missense changes on protein structure and function (SIFT, PolyPhen-2, Align-GVGD) all suggest that this variant is likely to be disruptive. In summary, the available evidence is currently insufficient to determine the role of this variant in disease. Therefore, it has been classified as a Variant of Uncertain Significance.